The following is an entry in ClinVar:

NM_000202.8(IDS):c.279T>A (p.Thr93=)

Gene: IDS (iduronate 2-sulfatase; minus strand). Cytogenetic location: Xq28.
Variant type: single nucleotide variant.
Coding change: c.279T>A on transcript NM_000202.8 (MANE Select); coding-DNA position 279, T replaced by A.
Protein change: p.Thr93=; no amino-acid change (threonine 93 retained).
Molecular consequence: synonymous variant. On other transcripts: non-coding transcript variant (1), intron variant (1).
Genome position (GRCh38, 1-based): chrX:149,503,451, A>T on the plus strand (T>A on the coding strand, the complement: IDS is on the minus strand). VCF-style: chrX-149503451-A-T. GRCh37 (hg19) VCF-style: chrX-148584981-A-T.
Other names: c.279T>A, p.Thr93= (NM_006123.5); c.15-6T>A (NM_001166550.4).
Identifiers: ClinVar variation 2397856 (VCV002397856.2), dbSNP rs2520896919, ClinGen allele CA519061473.

ClinVar aggregate classification (germline): Uncertain significance (1 of 4 stars; one submission).

Conditions:
Inborn genetic diseases. Identifiers: MedGen C0950123, MeSH D030342.

Submission:

Ambry Genetics
Classification: Uncertain significance for Inborn genetic diseases. Last evaluated: 2022-02-28. Review status: criteria provided, single submitter. Criteria: Ambry Variant Classification Scheme 2023. Collection method: clinical testing. Allele origin: germline.
Comment: The c.279T>A (p.T93T) alteration is located in exon 3 (coding exon 3) of the IDS gene. This alteration consists of a T to A substitution at nucleotide position 279. This nucleotide substitution does not change the amino acid at codon 93. However, this change occurs in the last nucleotide of Exon 3 (c.241_418) which makes it likely to have some effect on normal mRNA splicing. Based on insufficient or conflicting evidence, the clinical significance of this alteration remains unclear.